The following is an entry in ClinVar:

NM_053025.4(MYLK):c.5001C>T (p.Asn1667=)

Genes: MYLK (myosin light chain kinase; minus strand), MYLK-AS1 (MYLK antisense RNA 1; plus strand), LOC126806791 (MED14-independent group 3 enhancer GRCh37_chr3:123347871-123349070; plus strand). Cytogenetic location: 3q21.1.
Variant type: single nucleotide variant.
Coding change: c.5001C>T on transcript NM_053025.4 (MANE Select); coding-DNA position 5001, C replaced by T.
Protein change: p.Asn1667=; no amino-acid change (asparagine 1667 retained).
Molecular consequence: synonymous variant. On other transcripts: non-coding transcript variant (2), intron variant (2).
Genome position (GRCh38, 1-based): chr3:123,629,587, G>A on the plus strand (C>T on the coding strand, the complement: MYLK is on the minus strand). VCF-style: chr3-123629587-G-A. GRCh37 (hg19) VCF-style: chr3-123348434-G-A.
Other names: c.4473C>T, p.Asn1491= (NM_001321309.2); c.4794C>T, p.Asn1598= (NM_053026.4); c.4755-2646C>T (NM_053028.4); c.4962-2646C>T (NM_053027.4).
Identifiers: ClinVar variation 262290 (VCV000262290.43), dbSNP rs375038682, ClinGen allele CA072369.

ClinVar aggregate classification (germline): Conflicting classifications of pathogenicity. Review status: criteria provided, conflicting classifications (1 of 4 stars). 7 submissions from 7 submitters: Uncertain significance (1); Benign (1); Likely benign (5). Last evaluated 2025-11-05.

Conditions:
Familial thoracic aortic aneurysm and aortic dissection (TAAD). Also called: Thoracic aortic aneurysms and dissections. Identifiers: Orphanet 91387, MedGen C4707243, MONDO:0019625.
Aortic aneurysm, familial thoracic 7 (AAT7). Also called: AORTIC DISSECTION, FAMILIAL, WITH OR WITHOUT AORTIC ANEURYSM. Identifiers: MedGen C3151077, MONDO:0013418, OMIM 613780.

Allele frequency attached by ClinVar (database versions not stated): gnomAD 0.00004; gnomAD exomes 0.00006 and 0.00007; ExAC 0.00007; ESP Exome Variant Server 0.00008; TOPMed 0.00009.
gnomAD v4.1: 115 of 1,613,994 alleles (0.0071%); highest among the groups gnomAD compares: Non-Finnish European, 0.0055%; no homozygotes.

Submissions (7):

Labcorp Genetics (formerly Invitae), Labcorp
Classification: Likely benign for Aortic aneurysm, familial thoracic 7. Last evaluated: 2025-11-05. Review status: criteria provided, single submitter. Criteria: Invitae Variant Classification Sherloc (09022015). Collection method: clinical testing. Allele origin: germline.

CeGaT Center for Human Genetics Tuebingen
Classification: Likely benign. Last evaluated: 2022-06-01. Review status: criteria provided, single submitter. Criteria: CeGaT Center For Human Genetics Tuebingen Variant Classification Criteria Version 2. Collection method: clinical testing. Allele origin: germline. Affected: yes. Observed: 1 variant allele.
Comment: MYLK: BP4, BP7

Women's Health and Genetics/Laboratory Corporation of America, LabCorp
Classification: Benign. Last evaluated: 2022-01-31. Review status: criteria provided, single submitter. Criteria: LabCorp Variant Classification Summary - May 2015. Collection method: clinical testing. Allele origin: germline.

GeneDx
Classification: Likely benign. Last evaluated: 2020-08-10. Review status: criteria provided, single submitter. Criteria: GeneDx Variant Classification Process June 2021. Collection method: clinical testing. Allele origin: germline. Affected: yes.

Ambry Genetics
Classification: Likely benign for Familial thoracic aortic aneurysm and aortic dissection. Last evaluated: 2019-06-01. Review status: criteria provided, single submitter. Criteria: Ambry Variant Classification Scheme 2023. Collection method: clinical testing. Allele origin: germline.

CHEO Genetics Diagnostic Laboratory, Children's Hospital of Eastern Ontario
Classification: Uncertain significance for Familial thoracic aortic aneurysm and aortic dissection. Last evaluated: 2016-04-05. Review status: criteria provided, single submitter. Criteria: ACMG Guidelines, 2015. Collection method: clinical testing. Allele origin: germline. Study: Canadian Open Genetics Repository.

PreventionGenetics, part of Exact Sciences
Classification: Likely benign. Review status: criteria provided, single submitter. Criteria: ACMG Guidelines, 2015. Collection method: clinical testing. Allele origin: germline.